The following is an entry in ClinVar:

ClinVar aggregate classification (germline): Pathogenic (1 of 4 stars; one submission).

Conditions:
Global developmental delay with speech and behavioral abnormalities. Identifiers: MedGen C5543226, MONDO:0030995, OMIM 619243.

Submission:

Clinical Genetics Laboratory, University Hospital Schleswig-Holstein
Classification: Pathogenic for Global developmental delay with speech and behavioral abnormalities. Last evaluated: 2025-01-21. Review status: criteria provided, single submitter. Criteria: ACMG Guidelines, 2015. Collection method: clinical testing. Allele origin: germline. Affected: yes.
Comment: ACMG criteria applied: PM2, PS4_Supporting, PVS1, PP4

NM_001162501.2(TNRC6B):c.3349_3358del (p.Gly1117fs)

Gene: TNRC6B (trinucleotide repeat containing adaptor 6B; plus strand). Cytogenetic location: 22q13.1.
Variant type: Deletion.
Coding change: c.3349_3358del on transcript NM_001162501.2 (MANE Select); coding-DNA positions 3349 to 3358, 10 bases deleted (GGGTTCCGTC; older notation c.3349_3358delGGGTTCCGTC).
Protein change: p.Gly1117fs; shifts the reading frame from glycine 1117.
Molecular consequence: frameshift variant.
Genome position (GRCh38, 1-based): chr22:40,280,081-40,280,090, GGGTTCCGTC deleted. VCF-style (leftmost placement, unchanged base first): chr22-40280080-TGGGTTCCGTC-T. GRCh37 (hg19) VCF-style: chr22-40676084-TGGGTTCCGTC-T.
Other names: c.1108_1117del, p.Gly370fs (NM_001024843.2); c.3190_3199del, p.Gly1064fs (NM_015088.3); short protein forms G1064fs, G1117fs, G370fs.
Identifiers: ClinVar variation 1710230 (VCV001710230.3), dbSNP rs2518004353, ClinGen allele CA2580099783.